The following is an entry in ClinVar:

ClinVar aggregate classification (germline): Pathogenic (1 of 4 stars; one submission).

Submission:

GeneDx
Classification: Pathogenic. Last evaluated: 2025-12-30. Review status: criteria provided, single submitter. Criteria: GeneDx Variant Classification Process June 2021. Collection method: clinical testing. Allele origin: germline. Affected: yes.
Comment: Affects a glycine residue in a Gly-X-Y motif in the triple helical region of the COL4A5 gene, where the majority of pathogenic missense variants occur, and is predicted to disrupt normal protein folding and function (HGMD; PMID: 10752524); Not observed at significant frequency in large population cohorts (gnomAD); In silico analysis supports that this missense variant has a deleterious effect on protein structure/function; This variant is associated with the following publications: (PMID: 17660027, 10752524)

NM_033380.3(COL4A5):c.1139G>A (p.Gly380Asp)

Gene: COL4A5 (collagen type IV alpha 5 chain; plus strand). Cytogenetic location: Xq22.3.
Variant type: single nucleotide variant.
Coding change: c.1139G>A on transcript NM_033380.3 (MANE Select); coding-DNA position 1139, G replaced by A.
Protein change: p.Gly380Asp; replaces glycine 380 with aspartic acid.
Molecular consequence: missense variant.
Genome position (GRCh38, 1-based): chrX:108,586,721, G>A. VCF-style: chrX-108586721-G-A. GRCh37 (hg19) VCF-style: chrX-107829951-G-A.
Other names: c.1139G>A, p.Gly380Asp (NM_000495.5); c.1139G>A (NM_033380.1); short protein forms G380D.
Identifiers: ClinVar variation 3373712 (VCV003373712.2), dbSNP rs104886098.